The following is an entry in ClinVar:

ClinVar aggregate classification (germline): Pathogenic (1 of 4 stars; one submission).

Submission:

Ambry Genetics
Classification: Pathogenic. Last evaluated: 2026-02-26. Review status: criteria provided, single submitter. Criteria: Ambry Variant Classification Scheme 2023. Collection method: clinical testing. Allele origin: germline.
Comment: The c.875G>A (p.W292*) alteration, located in exon 1 (coding exon 1) of the ARHGAP35 gene, consists of a G to A substitution at nucleotide position 875. This changes the amino acid from a tryptophan (W) to a stop codon at amino acid position 292. This variant is expected to result in loss of function by premature protein truncation or nonsense-mediated mRNA decay. This variant was not reported in population-based cohorts in the Genome Aggregation Database (gnomAD). Based on the available evidence, this alteration is classified as pathogenic.

NM_004491.5(ARHGAP35):c.875G>A (p.Trp292Ter)

Gene: ARHGAP35 (Rho GTPase activating protein 35; plus strand). Cytogenetic location: 19q13.32.
Variant type: single nucleotide variant.
Coding change: c.875G>A on transcript NM_004491.5 (MANE Select); coding-DNA position 875, G replaced by A.
Protein change: p.Trp292Ter; replaces tryptophan 292 with a stop codon.
Molecular consequence: nonsense.
Genome position (GRCh38, 1-based): chr19:46,919,550, G>A. VCF-style: chr19-46919550-G-A. GRCh37 (hg19) VCF-style: chr19-47422807-G-A.
Other names: short protein forms W292*.
Identifiers: ClinVar variation 4831221 (VCV004831221.1).
Genomic context (GRCh38, chr19:46,919,550, plus strand): 5'-CAGCAAAAGACAAGTATGAGTGGCTGGTGAGTCGCATTGTGAAAAACCACAATGAGAACT[G>A]GCTGAGTGTCAGCCGAAAGATGCAGGCCTCTCCAGAATACCAGGACTATGTCTACCTGGA-3'